The following is an entry in ClinVar:

NM_016578.4(RSF1):c.748_755del (p.Ser250fs)

Gene: RSF1 (remodeling and spacing factor 1; minus strand). Cytogenetic location: 11q14.1.
Variant type: Deletion.
Coding change: c.748_755del on transcript NM_016578.4 (MANE Select); coding-DNA positions 748 to 755, 8 bases deleted (AGTGAAAA; older notation c.748_755delAGTGAAAA).
Protein change: p.Ser250fs; shifts the reading frame from serine 250.
Molecular consequence: frameshift variant.
Genome position (GRCh38, 1-based): chr11:77,702,474-77,702,481, TTTTCACT deleted on the plus strand (AGTGAAAA on the coding strand, the reverse complement: RSF1 is on the minus strand); deleting any 8 consecutive bases within chr11:77,702,474-77,702,483 gives the same sequence; the c. name uses the placement nearest the transcript's 3' end. VCF-style (leftmost placement, unchanged base first): chr11-77702473-CTTTTCACT-C. GRCh37 (hg19) VCF-style: chr11-77413518-CTTTTCACT-C.
Other names: short protein forms S250fs.
Identifiers: ClinVar variation 4528928 (VCV004528928.1).
Genomic context (GRCh38, chr11:77,702,473, plus strand): 5'-TTCTAGAACATTGGCTGTAGAACGGTTTTCTAAATCCATAGGCTGCTCCTCACTTTTCAT[CTTTTCACT>C]TTCTTTCTGTTCCTCTAAAAATCAGAAAAAGCTTAATTACATGAATAGAAACTTTCAAGG-3'

ClinVar aggregate classification (germline): Uncertain significance (1 of 4 stars; one submission).

Conditions:
RSF1-related neurodevelopmental disorder.

Submission:

Equipe Genetique des Anomalies du Developpement, Université de Bourgogne
Classification: Uncertain significance for RSF1-related neurodevelopmental disorder. Last evaluated: 2025-11-10. Review status: criteria provided, single submitter. Criteria: ACMG Guidelines, 2015. Collection method: research. Allele origin: de novo. Affected: yes.
Comment: This is a heterozygous de novo frameshift variant NM_016578.4:c.748_755del p.(Ser250AspfsTer4) in the gene RSF1 (chr11:g.77413521_77413528del, GRCh38). This variant is predicted to result in a frameshift and the introduction of a premature stop codon, leading to loss of normal protein function. It is absent from the database gnomAD (v4.1.0). In silico prediction metrics support a deleterious effect (MPA: 10). The RSF1 gene is predicted to be intolerant to haploinsufficiency (pLI: 1; pLOEUF: 0.15, gnomAD v4.1.0). According to current evidence, this variant is classified as a variant of uncertain significance (class 3, according to ACMG criteria).